The following is an entry in ClinVar:

ClinVar aggregate classification (germline): Uncertain significance (1 of 4 stars; one submission).

Conditions:
Joubert syndrome. Also called: CEREBELLOPARENCHYMAL DISORDER IV; JOUBERT-BOLTSHAUSER SYNDROME; Familial aplasia of the vermis. Identifiers: Orphanet 475, MedGen C5979921, MONDO:0018772.
Meckel-Gruber syndrome. Also called: DYSENCEPHALIA SPLANCHNOCYSTICA; GRUBER SYNDROME; Dysencephalia splachnocystica. Identifiers: Orphanet 564, MedGen C0265215, MONDO:0018921.
Nephronophthisis. Also called: Juvenile Nephronophthisis. Identifiers: Orphanet 655, MedGen C0687120, MONDO:0019005, HP:0000090.

Submission:

Labcorp Genetics (formerly Invitae), Labcorp
Classification: Uncertain significance for Joubert syndrome; Meckel-Gruber syndrome; Nephronophthisis. Last evaluated: 2024-02-24. Review status: criteria provided, single submitter. Criteria: Invitae Variant Classification Sherloc (09022015). Collection method: clinical testing. Allele origin: germline.
Comment: This sequence change replaces glutamic acid, which is acidic and polar, with glutamine, which is neutral and polar, at codon 1140 of the CEP290 protein (p.Glu1140Gln). This variant is not present in population databases (gnomAD no frequency). This variant has not been reported in the literature in individuals affected with CEP290-related conditions. ClinVar contains an entry for this variant (Variation ID: 2011984). Advanced modeling of protein sequence and biophysical properties (such as structural, functional, and spatial information, amino acid conservation, physicochemical variation, residue mobility, and thermodynamic stability) performed at Invitae indicates that this missense variant is not expected to disrupt CEP290 protein function with a negative predictive value of 80%. In summary, the available evidence is currently insufficient to determine the role of this variant in disease. Therefore, it has been classified as a Variant of Uncertain Significance.

NM_025114.4(CEP290):c.3418G>C (p.Glu1140Gln)

Gene: CEP290 (centrosomal protein 290; minus strand). Cytogenetic location: 12q21.32.
Variant type: single nucleotide variant.
Coding change: c.3418G>C on transcript NM_025114.4 (MANE Select); coding-DNA position 3418, G replaced by C.
Protein change: p.Glu1140Gln; replaces glutamic acid 1140 with glutamine.
Molecular consequence: missense variant.
Genome position (GRCh38, 1-based): chr12:88,092,724, C>G on the plus strand (G>C on the coding strand, the complement: CEP290 is on the minus strand). VCF-style: chr12-88092724-C-G. GRCh37 (hg19) VCF-style: chr12-88486501-C-G.
Other names: short protein forms E1140Q.
Identifiers: ClinVar variation 2011984 (VCV002011984.4), dbSNP rs766095901, ClinGen allele CA386004068.